The following is an entry in ClinVar:

NM_004612.4(TGFBR1):c.947_952delinsC (p.Leu316fs)

Gene: TGFBR1 (transforming growth factor beta receptor 1; plus strand). Cytogenetic location: 9q22.33.
Variant type: Indel.
Coding change: c.947_952delinsC on transcript NM_004612.4 (MANE Select); coding-DNA positions 947 to 952, TTCACA replaced by C.
Protein change: p.Leu316fs; shifts the reading frame from leucine 316.
Molecular consequence: frameshift variant. On other transcripts: non-coding transcript variant (4), intron variant (2).
Genome position (GRCh38, 1-based): chr9:99,142,677-99,142,682, TTCACA replaced by C. VCF-style: chr9-99142677-TTCACA-C. GRCh37 (hg19) VCF-style: chr9-101904959-TTCACA-C.
Other names: c.716_721delinsC, p.Leu239fs (NM_001130916.3, NM_001407435.1); c.959_964delinsC, p.Leu320fs (NM_001306210.2); c.752_757delinsC, p.Leu251fs (NM_001407418.1, NM_001407419.1, NM_001407420.1 and 1 more transcripts); c.740_745delinsC, p.Leu247fs (NM_001407423.1, NM_001407424.1, NM_001407425.1 and 8 more transcripts); c.701_706delinsC, p.Leu234fs (NM_001407436.1); c.239_244delinsC, p.Leu80fs (NM_001407437.1); c.470_475delinsC, p.Leu157fs (NM_001407438.1); c.818-2055_818-2050delinsC (NM_001407416.1); and 1 more; short protein forms L157fs, L239fs, L247fs, L251fs, L234fs, L316fs, L320fs, L80fs.
Identifiers: ClinVar variation 3455828 (VCV003455828.1).

ClinVar aggregate classification (germline): Pathogenic (1 of 4 stars; one submission).

Conditions:
Familial thoracic aortic aneurysm and aortic dissection (TAAD). Also called: Thoracic aortic aneurysms and dissections. Identifiers: Orphanet 91387, MedGen C4707243, MONDO:0019625.

Submission:

Ambry Genetics
Classification: Pathogenic for Familial thoracic aortic aneurysm and aortic dissection. Last evaluated: 2024-09-05. Review status: criteria provided, single submitter. Criteria: Ambry Variant Classification Scheme 2023. Collection method: clinical testing. Allele origin: germline.
Comment: The c.947_952delTTCACAinsC pathogenic mutation, located in coding exon 5 of the TGFBR1 gene, results from the deletion of 6 nucleotides and insertion of one nucleotide causing a translational frameshift with a predicted alternate stop codon (p.L316Pfs*15). This alteration is expected to result in loss of function by premature protein truncation or nonsense-mediated mRNA decay. Based on the supporting evidence, this variant is pathogenic for an increased risk of multiple self-healing squamous epithelioma (MSSE); however, the association of this variant with TGFBR1-related Loeys-Dietz syndrome is unknown.